The following is an entry in ClinVar:

NM_005633.4(SOS1):c.2197A>T (p.Ile733Phe)

Gene: SOS1 (SOS Ras/Rac guanine nucleotide exchange factor 1; minus strand). Cytogenetic location: 2p22.1.
Variant type: single nucleotide variant.
Coding change: c.2197A>T on transcript NM_005633.4 (MANE Select); coding-DNA position 2197, A replaced by T.
Protein change: p.Ile733Phe; replaces isoleucine 733 with phenylalanine.
Molecular consequence: missense variant.
Genome position (GRCh38, 1-based): chr2:39,012,319, T>A on the plus strand (A>T on the coding strand, the complement: SOS1 is on the minus strand). VCF-style: chr2-39012319-T-A. GRCh37 (hg19) VCF-style: chr2-39239460-T-A.
Other names: p.I733F:ATC>TTC; c.2176A>T, p.Ile726Phe (NM_001382394.1); c.2197A>T, p.Ile733Phe (NM_001382395.1); short protein forms I733F, I726F.
Identifiers: ClinVar variation 40701 (VCV000040701.23), dbSNP rs574088829, ClinGen allele CA297205.

ClinVar aggregate classification (germline): Pathogenic/Likely pathogenic. Review status: criteria provided, multiple submitters, no conflicts (2 of 4 stars). 8 submissions from 8 submitters: Pathogenic (5); Likely pathogenic (3). Last evaluated 2026-10-18.

Conditions:
SOS1-related disorder. Also called: SOS1-related condition.
RASopathy. Also called: rasopathies; Noonan spectrum disorder. Identifiers: Orphanet 536391, MedGen C5555857, MONDO:0021060.
Noonan syndrome 4 (NS4). Also called: NOONAN SYNDROME WITH PIGMENTED VILLONODULAR SYNOVITIS; SOS1-Related Noonan Syndrome. Identifiers: Orphanet 648, MedGen C1853120, MONDO:0012547, OMIM 610733.
Noonan syndrome 3 (NS3). Also called: KRAS-Related Noonan Syndrome. Identifiers: Orphanet 648, MedGen C1860991, MONDO:0012371, OMIM 609942.

Submissions (8):

GeneDx
Classification: Pathogenic. Last evaluated: 2026-10-18. Review status: criteria provided, single submitter. Criteria: GeneDx Variant Classification Process June 2021. Collection method: clinical testing. Allele origin: germline.
Comment: Published functional studies show that I733F increases ERK activation and RAS exchange compared to wild type (PMID: 23487764); Not observed at significant frequency in large population cohorts (gnomAD); Missense variants in this gene are a common cause of disease and they are underrepresented in the general population; In silico analysis supports that this missense variant has a deleterious effect on protein structure/function; This variant is associated with the following publications: (PMID: 39843441, 34184824, 24803665, 30050098, 29907801, 34643321, 35794250, 29037749, 29493581, 21387466, 20186801, 33572736, 31368652, 28378436, 24458522, 23487764, 17143282)

CeGaT Center for Human Genetics Tuebingen
Classification: Likely pathogenic. Last evaluated: 2026-01-01. Review status: criteria provided, single submitter. Criteria: CeGaT Center For Human Genetics Tuebingen Variant Classification Criteria Version 2. Collection method: clinical testing. Allele origin: germline. Affected: yes. Observed: 1 variant allele.
Comment: SOS1: PM1, PM2, PS4:Moderate, PS3:Supporting

PreventionGenetics, part of Exact Sciences
Classification: Pathogenic for SOS1-related condition. Last evaluated: 2023-03-08. Review status: criteria provided, single submitter. Criteria: ACMG Guidelines, 2015. Collection method: clinical testing. Allele origin: germline.
Comment: The SOS1 c.2197A>T variant is predicted to result in the amino acid substitution p.Ile733Phe. This variant has been reported in multiple individuals with Noonan syndrome (see for example - Tartaglia et al 2007. PubMed ID: 17143282; Table S3 - Leach et al. 2018. PubMed ID: 2990780). Functional studies demonstrate this variant results in increased p-MEK/ERK levels, consistent with a gain-of-function mechanism, resulting in hyperactivation of the RAS pathway (Smith et al. 2013. PubMed ID: 23487764). This variant has not been reported in a large population database, indicating this variant is rare. This variant is interpreted as pathogenic.

Labcorp Genetics (formerly Invitae), Labcorp
Classification: Pathogenic for RASopathy. Last evaluated: 2022-10-04. Review status: criteria provided, single submitter. Criteria: Invitae Variant Classification Sherloc (09022015). Collection method: clinical testing. Allele origin: germline.
Comment: This sequence change replaces isoleucine, which is neutral and non-polar, with phenylalanine, which is neutral and non-polar, at codon 733 of the SOS1 protein (p.Ile733Phe). This variant is not present in population databases (gnomAD no frequency). For these reasons, this variant has been classified as Pathogenic. Experimental studies have shown that this missense change affects SOS1 function (PMID: 23487764). Advanced modeling of protein sequence and biophysical properties (such as structural, functional, and spatial information, amino acid conservation, physicochemical variation, residue mobility, and thermodynamic stability) performed at Invitae indicates that this missense variant is expected to disrupt SOS1 protein function. ClinVar contains an entry for this variant (Variation ID: 40701). This missense change has been observed in individual(s) with clinical features of Noonan syndrome (PMID: 17143282, 20186801, 21387466). In at least one individual the variant was observed to be de novo.

3billion
Classification: Pathogenic for Noonan syndrome 4. Last evaluated: 2022-03-22. Review status: criteria provided, single submitter. Criteria: ACMG Guidelines, 2015. Collection method: clinical testing. Allele origin: germline. Affected: yes. Observed: 1 heterozygote.
Comment: The variant has been previously reported as de novo in a similarly affected individual (PMID: 17143282). Same or different nucleotide change resulting in same amino acid change has been previously reported as pathogenic/likely pathogenic with strong evidence (ClinVar ID: VCV000040701, PMID:17143282). In silico tool predictions suggest damaging effect of the variant on gene or gene product (3CNET: 0.863>=0.75). A missense variant is a common mechanism associated with Noonan syndrome 4. It is not observed in the gnomAD v2.1.1 dataset. Therefore, this variant is classified as pathogenic according to the recommendation of ACMG/AMP guideline.

Revvity Omics, Revvity
Classification: Pathogenic. Last evaluated: 2019-12-04. Review status: criteria provided, single submitter. Criteria: ACMG Guidelines, 2015. Collection method: clinical testing. Allele origin: germline.

Women's Health and Genetics/Laboratory Corporation of America, LabCorp
Classification: Likely pathogenic for Noonan syndrome 3. Last evaluated: 2017-04-17. Review status: criteria provided, single submitter. Criteria: LabCorp Variant Classification Summary - May 2015. Collection method: clinical testing. Allele origin: germline.
Comment: Variant summary: The SOS1 c.2197A>T (p.Ile733Phe) variant causes a missense change involving the alteration of a conserved nucleotide. This variant is located in the Ras-like guanine nucleotide exchange factor, N-terminal (IPR000651) (InterPro). 4/4 in silico tools predict a damaging outcome for this variant (SNPs&GO not captured due to low reliability index). A functional study (Smith_PNAS_2013) showed that this variant increased pERK in a cell-culture model and increased RAS exchange activation by 2-3 fold. The variant of interest has not been found in a large, broad control population datasets of ExAC and gnomAD (0/121094 and 0/245906 control chrs tested, respectively). This variant was reported by multiple studies in patients with NS (Tartaglia_NatGenet_2007, Pierpont_AJMG_2010). In addition, one clinical diagnostic laboratory classified this variant as pathogenic. Taken together, this variant is classified as likely pathogenic.

Genome-Nilou Lab
Classification: Likely pathogenic for Noonan syndrome 4. Review status: criteria provided, single submitter. Criteria: ACMG Guidelines, 2015. Collection method: clinical testing. Allele origin: germline.

Literature cited by the submitters: PubMed 23487764 (cited by Labcorp Genetics (formerly Invitae), Labcorp and Women's Health and Genetics/Laboratory Corporation of America, LabCorp); PubMed 17143282 (cited by 3 submitters); PubMed 20186801 (cited by Labcorp Genetics (formerly Invitae), Labcorp and Women's Health and Genetics/Laboratory Corporation of America, LabCorp); PubMed 21387466 (cited by Labcorp Genetics (formerly Invitae), Labcorp and Women's Health and Genetics/Laboratory Corporation of America, LabCorp).